The following is an entry in ClinVar:

NM_002049.4(GATA1):c.574G>C (p.Gly192Arg)

Gene: GATA1 (GATA binding protein 1; plus strand). Cytogenetic location: Xp11.23.
Variant type: single nucleotide variant.
Coding change: c.574G>C on transcript NM_002049.4 (MANE Select); coding-DNA position 574, G replaced by C.
Protein change: p.Gly192Arg; replaces glycine 192 with arginine.
Molecular consequence: missense variant.
Genome position (GRCh38, 1-based): chrX:48,792,197, G>C. VCF-style: chrX-48792197-G-C. GRCh37 (hg19) VCF-style: chrX-48650604-G-C.
Other names: short protein forms G192R.
Identifiers: ClinVar variation 3852996 (VCV003852996.2).

ClinVar aggregate classification (germline): Uncertain significance. Review status: criteria provided, multiple submitters, no conflicts (2 of 4 stars). 2 submissions from 2 submitters: Uncertain significance (2). Last evaluated 2025-01-29.

Conditions:
GATA1-related disorder. Also called: GATA1-related condition.
Inborn genetic diseases. Identifiers: MedGen C0950123, MeSH D030342.

Submissions (2):

PreventionGenetics, part of Exact Sciences
Classification: Uncertain significance for GATA1-related condition. Last evaluated: 2025-01-29. Review status: criteria provided, single submitter. Criteria: ACMG Guidelines, 2015. Collection method: clinical testing. Allele origin: germline.
Comment: The GATA1 c.574G>C variant is predicted to result in the amino acid substitution p.Gly192Arg. To our knowledge, this variant has not been reported in the literature. This variant is reported in 0.0036% of alleles in individuals of Latino descent in gnomAD. At this time, the clinical significance of this variant is uncertain due to the absence of conclusive functional and genetic evidence.

Ambry Genetics
Classification: Uncertain significance for Inborn genetic diseases. Last evaluated: 2025-01-24. Review status: criteria provided, single submitter. Criteria: Ambry Variant Classification Scheme 2023. Collection method: clinical testing. Allele origin: germline.